The following is an entry in ClinVar:

NM_001035.3(RYR2):c.396C>G (p.Cys132Trp)

Gene: RYR2 (ryanodine receptor 2; plus strand). Cytogenetic location: 1q43.
Variant type: single nucleotide variant.
Coding change: c.396C>G on transcript NM_001035.3 (MANE Select); coding-DNA position 396, C replaced by G.
Protein change: p.Cys132Trp; replaces cysteine 132 with tryptophan.
Molecular consequence: missense variant.
Genome position (GRCh38, 1-based): chr1:237,374,728, C>G. VCF-style: chr1-237374728-C-G. GRCh37 (hg19) VCF-style: chr1-237538028-C-G.
Other names: short protein forms C132W.
Identifiers: ClinVar variation 2864739 (VCV002864739.3), dbSNP rs945125963, ClinGen allele CA39773683.
Genomic context (GRCh38, chr1:237,374,728, plus strand): 5'-ACAGACGAACAAAACCTCTACTTACAACTACTGATTTTGTACTTTGTAGTATCTGTGCTG[C>G]CTGTCCACCTCCCGGTCTTCAACTGATAAGCTGGCTTTTGATGTTGGCTTGCAAGAGGAC-3'
Protein context (NP_001026.2, residues 122-142): RHSYSGMYLC[Cys132Trp]LSTSRSSTDK

ClinVar aggregate classification (germline): Uncertain significance (1 of 4 stars; one submission).

Conditions:
Catecholaminergic polymorphic ventricular tachycardia 1. Also called: VENTRICULAR TACHYCARDIA, STRESS-INDUCED POLYMORPHIC 1; RYR2-Related Catecholaminergic Polymorphic Ventricular Tachycardia; VENTRICULAR TACHYCARDIA, CATECHOLAMINERGIC POLYMORPHIC, 1, WITH OR WITHOUT ATRIAL DYSFUNCTION AND/OR DILATED CARDIOMYOPATHY. Identifiers: Orphanet 3286, MedGen C1631597, MONDO:0011484, OMIM 604772.

Allele frequency attached by ClinVar (database versions not stated): TOPMed below 0.00001; gnomAD 0.00001.
gnomAD v4.1: 1 of 1,612,344 alleles (0.000062%); highest among the groups gnomAD compares: African/African-American, 0.0013%; no homozygotes.

Submission:

Labcorp Genetics (formerly Invitae), Labcorp
Classification: Uncertain significance for Catecholaminergic polymorphic ventricular tachycardia 1. Last evaluated: 2023-05-16. Review status: criteria provided, single submitter. Criteria: Invitae Variant Classification Sherloc (09022015). Collection method: clinical testing. Allele origin: germline.
Comment: This sequence change replaces cysteine, which is neutral and slightly polar, with tryptophan, which is neutral and slightly polar, at codon 132 of the RYR2 protein (p.Cys132Trp). In summary, the available evidence is currently insufficient to determine the role of this variant in disease. Therefore, it has been classified as a Variant of Uncertain Significance. Advanced modeling of protein sequence and biophysical properties (such as structural, functional, and spatial information, amino acid conservation, physicochemical variation, residue mobility, and thermodynamic stability) performed at Invitae indicates that this missense variant is expected to disrupt RYR2 protein function. This variant has not been reported in the literature in individuals affected with RYR2-related conditions. This variant is not present in population databases (gnomAD no frequency).